The following is an entry in ClinVar:

NM_006306.4(SMC1A):c.738C>A (p.Asn246Lys)

Gene: SMC1A (structural maintenance of chromosomes 1A; minus strand). Cytogenetic location: Xp11.22.
Variant type: single nucleotide variant.
Coding change: c.738C>A on transcript NM_006306.4 (MANE Select); coding-DNA position 738, C replaced by A.
Protein change: p.Asn246Lys; replaces asparagine 246 with lysine.
Molecular consequence: missense variant.
Genome position (GRCh38, 1-based): chrX:53,413,016, G>T on the plus strand (C>A on the coding strand, the complement: SMC1A is on the minus strand). VCF-style: chrX-53413016-G-T. GRCh37 (hg19) VCF-style: chrX-53439966-G-T.
Other names: c.672C>A, p.Asn224Lys (NM_001281463.1); short protein forms N246K, N224K.
Identifiers: ClinVar variation 1897622 (VCV001897622.5), dbSNP rs2520961607, ClinGen allele CA413258608.

ClinVar aggregate classification (germline): Uncertain significance (1 of 4 stars; one submission).

Conditions:
Congenital muscular hypertrophy-cerebral syndrome (CDLS2). Also called: Cornelia de Lange syndrome 2; SMC1A-Related Cornelia de Lange Syndrome. Identifiers: Orphanet 199, MedGen C1802395, MONDO:0010370, OMIM 300590.

Submission:

Labcorp Genetics (formerly Invitae), Labcorp
Classification: Uncertain significance for Congenital muscular hypertrophy-cerebral syndrome. Last evaluated: 2022-02-04. Review status: criteria provided, single submitter. Criteria: Invitae Variant Classification Sherloc (09022015). Collection method: clinical testing. Allele origin: germline.
Comment: In summary, the available evidence is currently insufficient to determine the role of this variant in disease. Therefore, it has been classified as a Variant of Uncertain Significance. Advanced modeling of protein sequence and biophysical properties (such as structural, functional, and spatial information, amino acid conservation, physicochemical variation, residue mobility, and thermodynamic stability) performed at Invitae indicates that this missense variant is not expected to disrupt SMC1A protein function. This variant has not been reported in the literature in individuals affected with SMC1A-related conditions. This variant is not present in population databases (gnomAD no frequency). This sequence change replaces asparagine, which is neutral and polar, with lysine, which is basic and polar, at codon 246 of the SMC1A protein (p.Asn246Lys).